The following is an entry in ClinVar:

ClinVar aggregate classification (germline): Uncertain significance (1 of 4 stars; one submission).

Conditions:
Hereditary cancer-predisposing syndrome. Also called: Neoplastic Syndromes, Hereditary; Tumor predisposition; Hereditary neoplastic syndrome; Hereditary Cancer Syndrome. Identifiers: Orphanet 140162, MedGen C0027672, MeSH D009386, MONDO:0015356.

Submission:

Ambry Genetics
Classification: Uncertain significance for Hereditary cancer-predisposing syndrome. Last evaluated: 2026-07-07. Review status: criteria provided, single submitter. Criteria: Ambry Variant Classification Scheme 2023. Collection method: clinical testing. Allele origin: germline.
Comment: The p.V88A variant (also known as c.263T>C), located in coding exon 4 of the MAX gene, results from a T to C substitution at nucleotide position 263. The valine at codon 88 is replaced by alanine, an amino acid with similar properties. This amino acid position is conserved. In addition, this alteration is predicted to be tolerated by in silico analysis. Based on the available evidence, the clinical significance of this variant remains unclear.

NM_002382.5(MAX):c.172-6172T>C

Gene: MAX (MYC associated transcriptional regulator X; minus strand). Cytogenetic location: 14q23.3.
Variant type: single nucleotide variant.
Coding change: c.172-6172T>C on transcript NM_002382.5 (MANE Select); 6172 bases into the intron before coding-DNA position 172, T replaced by C.
Molecular consequence: intron variant. On other transcripts: missense variant (3), 3 prime UTR variant (1), non-coding transcript variant (4).
Genome position (GRCh38, 1-based): chr14:65,084,208, A>G on the plus strand (T>C on the coding strand, the complement: MAX is on the minus strand). VCF-style: chr14-65084208-A-G. GRCh37 (hg19) VCF-style: chr14-65550926-A-G.
Other names: c.236T>C, p.Val79Ala (NM_001271068.2, NM_001407113.1); c.*37T>C (NM_001407114.1); c.263T>C, p.Val88Ala (NM_145114.3); c.144+9500T>C (NM_001271069.2); c.171+9500T>C (NM_197957.4); c.-196-6172T>C (NM_001407112.1, NM_001407111.1); c.-103-6172T>C (NM_001407106.1, NM_001407107.1, NM_001320415.2 and 1 more transcripts); c.145-6172T>C (NM_001407095.1, NM_001407110.1, NM_001407102.1 and 6 more transcripts); and 2 more; short protein forms V88A, V79A.
Identifiers: ClinVar variation 5023971 (VCV005023971.1).